The following is an entry in ClinVar:

NM_199420.4(POLQ):c.1113G>C (p.Leu371Phe)

Gene: POLQ (DNA polymerase theta; minus strand). Cytogenetic location: 3q13.33.
Variant type: single nucleotide variant.
Coding change: c.1113G>C on transcript NM_199420.4 (MANE Select); coding-DNA position 1113, G replaced by C.
Protein change: p.Leu371Phe; replaces leucine 371 with phenylalanine.
Molecular consequence: missense variant.
Genome position (GRCh38, 1-based): chr3:121,522,145, C>G on the plus strand (G>C on the coding strand, the complement: POLQ is on the minus strand). VCF-style: chr3-121522145-C-G. GRCh37 (hg19) VCF-style: chr3-121240992-C-G.
Other names: short protein forms L371F.
Identifiers: ClinVar variation 1795754 (VCV001795754.2), dbSNP rs2546811797, ClinGen allele CA354122120.

ClinVar aggregate classification (germline): Uncertain significance (1 of 4 stars; one submission).

Submission:

Ambry Genetics
Classification: Uncertain significance. Last evaluated: 2021-11-14. Review status: criteria provided, single submitter. Criteria: Ambry Variant Classification Scheme 2023. Collection method: clinical testing. Allele origin: germline.
Comment: The p.L371F variant (also known as c.1113G>C), located in coding exon 8 of the POLQ gene, results from a G to C substitution at nucleotide position 1113. The leucine at codon 371 is replaced by phenylalanine, an amino acid with highly similar properties. This amino acid position is conserved. In addition, this alteration is predicted to be tolerated by in silico analysis. Since supporting evidence is limited at this time, the clinical significance of this alteration remains unclear.